The following is an entry in ClinVar:

ClinVar aggregate classification (germline): Uncertain significance (1 of 4 stars; one submission).

Conditions:
Methylmalonic acidemia with homocystinuria, type cblX (MAHCX). Also called: INTELLECTUAL DEVELOPMENTAL DISORDER, X-LINKED 3. Identifiers: Orphanet 369962, MedGen C0796208, MONDO:0010657, OMIM 309541.

gnomAD v4.1: 8 of 1,194,623 alleles (0.00067%); highest among the groups gnomAD compares: Admixed American, 0.0067%; no homozygotes.

Submission:

Labcorp Genetics (formerly Invitae), Labcorp
Classification: Uncertain significance for Methylmalonic acidemia with homocystinuria, type cblX. Last evaluated: 2024-12-12. Review status: criteria provided, single submitter. Criteria: Invitae Variant Classification Sherloc (09022015). Collection method: clinical testing. Allele origin: germline.
Comment: This sequence change replaces glycine, which is neutral and non-polar, with serine, which is neutral and polar, at codon 1738 of the HCFC1 protein (p.Gly1738Ser). This variant is not present in population databases (gnomAD no frequency). This variant has not been reported in the literature in individuals affected with HCFC1-related conditions. An algorithm developed to predict the effect of missense changes on protein structure and function outputs the following: PolyPhen-2: "Benign". The serine amino acid residue is found in multiple mammalian species, which suggests that this missense change does not adversely affect protein function. In summary, the available evidence is currently insufficient to determine the role of this variant in disease. Therefore, it has been classified as a Variant of Uncertain Significance.

NM_005334.3(HCFC1):c.5212G>A (p.Gly1738Ser)

Gene: HCFC1 (host cell factor C1; minus strand). Cytogenetic location: Xq28.
Variant type: single nucleotide variant.
Coding change: c.5212G>A on transcript NM_005334.3 (MANE Select); coding-DNA position 5212, G replaced by A.
Protein change: p.Gly1738Ser; replaces glycine 1738 with serine.
Molecular consequence: missense variant.
Genome position (GRCh38, 1-based): chrX:153,951,889, C>T on the plus strand (G>A on the coding strand, the complement: HCFC1 is on the minus strand). VCF-style: chrX-153951889-C-T. GRCh37 (hg19) VCF-style: chrX-153217340-C-T.
Other names: c.5347G>A, p.Gly1783Ser (NM_001410705.1); short protein forms G1783S, G1738S.
Identifiers: ClinVar variation 3666737 (VCV003666737.1).